The following is an entry in ClinVar:

ClinVar aggregate classification (germline): Conflicting classifications of pathogenicity. Review status: criteria provided, conflicting classifications (1 of 4 stars). 3 submissions from 3 submitters: Uncertain significance (1); Likely benign (2). Last evaluated 2026-06-26.

Conditions:
AHI1-related disorder. Also called: AHI1-related condition.
Joubert syndrome. Also called: Familial aplasia of the vermis; JOUBERT-BOLTSHAUSER SYNDROME. Identifiers: Orphanet 475, MedGen C5979921, MONDO:0018772.

Allele frequency attached by ClinVar (database versions not stated): gnomAD 0.00001 and 0.00003; ExAC 0.00002; TOPMed 0.00002; gnomAD exomes 0.00003.
gnomAD v4.1: 29 of 1,611,148 alleles (0.0018%); highest among the groups gnomAD compares: East Asian, 0.013%; no homozygotes.

Submissions (3):

PreventionGenetics, part of Exact Sciences
Classification: Likely benign for AHI1-related condition. Last evaluated: 2026-06-26. Review status: criteria provided, single submitter. Criteria: ACMG Guidelines, 2015. Collection method: clinical testing. Allele origin: germline.
Comment: This variant is classified as likely benign based on ACMG/AMP sequence variant interpretation guidelines (Richards et al. 2015 PMID: 25741868, with internal and published modifications).

Labcorp Genetics (formerly Invitae), Labcorp
Classification: Likely benign for Joubert syndrome. Last evaluated: 2026-02-02. Review status: criteria provided, single submitter. Criteria: Invitae Variant Classification Sherloc (09022015). Collection method: clinical testing. Allele origin: germline.

Blueprint Genetics
Classification: Uncertain significance. Last evaluated: 2017-12-11. Review status: criteria provided, single submitter. Criteria: ACMG Guidelines, 2015. Collection method: clinical testing. Allele origin: germline.

NM_001134831.2(AHI1):c.192C>T (p.Pro64=)

Gene: AHI1 (Abelson helper integration site 1; minus strand). Cytogenetic location: 6q23.3.
Variant type: single nucleotide variant.
Coding change: c.192C>T on transcript NM_001134831.2 (MANE Select); coding-DNA position 192, C replaced by T.
Protein change: p.Pro64=; no amino-acid change (proline 64 retained).
Molecular consequence: synonymous variant.
Genome position (GRCh38, 1-based): chr6:135,466,371, G>A on the plus strand (C>T on the coding strand, the complement: AHI1 is on the minus strand). VCF-style: chr6-135466371-G-A. GRCh37 (hg19) VCF-style: chr6-135787509-G-A.
Other names: c.192C>T, p.Pro64= (NM_001134830.2, NM_001134832.2, NM_001350503.2 and 2 more transcripts); c.192C>T (NM_017651.4).
Identifiers: ClinVar variation 1531184 (VCV001531184.10), dbSNP rs776796882, ClinGen allele CA4012878.
Genomic context (GRCh38, chr6:135,466,371, plus strand): 5'-AGCACTTACATCATCACTTGTAGTTTCTTTAATATGGGGAAGATTGCTTCTAATAGTGTC[G>A]GGCTAGGAAAAGAAGACATGATAACAAAGTTTCAGTTACACATAGATTAGTTATATAAAG-3'
Protein context (NP_001128303.1, residues 54-74): HYMKETTSDD[Pro64=]DTIRSNLPHI